The following is an entry in ClinVar:

NM_005918.4(MDH2):c.133A>C (p.Lys45Gln)

Gene: MDH2 (malate dehydrogenase 2; plus strand). Cytogenetic location: 7q11.23.
Variant type: single nucleotide variant.
Coding change: c.133A>C on transcript NM_005918.4 (MANE Select); coding-DNA position 133, A replaced by C.
Protein change: p.Lys45Gln; replaces lysine 45 with glutamine.
Molecular consequence: missense variant. On other transcripts: intron variant (1).
Genome position (GRCh38, 1-based): chr7:76,054,896, A>C. VCF-style: chr7-76054896-A-C. GRCh37 (hg19) VCF-style: chr7-75684214-A-C.
Other names: c.133A>C, p.Lys45Gln (NM_001282403.2); c.-86-2514A>C (NM_001282404.2); short protein forms K45Q.
Identifiers: ClinVar variation 1491250 (VCV001491250.8), dbSNP rs1554585969, ClinGen allele CA367762362.

ClinVar aggregate classification (germline): Uncertain significance (1 of 4 stars; one submission).

Allele frequency attached by ClinVar (database versions not stated): TOPMed below 0.00001; gnomAD exomes 0.00001.
gnomAD v4.1: 16 of 1,614,118 alleles (0.00099%); highest among the groups gnomAD compares: Non-Finnish European, 0.0013%; no homozygotes.

Submission:

Labcorp Genetics (formerly Invitae), Labcorp
Classification: Uncertain significance. Last evaluated: 2023-07-10. Review status: criteria provided, single submitter. Criteria: Invitae Variant Classification Sherloc (09022015). Collection method: clinical testing. Allele origin: germline.
Comment: Algorithms developed to predict the effect of sequence changes on RNA splicing suggest that this variant may create or strengthen a splice site. In summary, the available evidence is currently insufficient to determine the role of this variant in disease. Therefore, it has been classified as a Variant of Uncertain Significance. Advanced modeling of protein sequence and biophysical properties (such as structural, functional, and spatial information, amino acid conservation, physicochemical variation, residue mobility, and thermodynamic stability) performed at Invitae indicates that this missense variant is expected to disrupt MDH2 protein function. ClinVar contains an entry for this variant (Variation ID: 1491250). This variant has not been reported in the literature in individuals affected with MDH2-related conditions. This variant is present in population databases (no rsID available, gnomAD 0.002%). This sequence change replaces lysine, which is basic and polar, with glutamine, which is neutral and polar, at codon 45 of the MDH2 protein (p.Lys45Gln).